The following is an entry in ClinVar:

NM_001291867.2(NHS):c.398C>T (p.Ala133Val)

Gene: NHS (NHS actin remodeling regulator; plus strand). Cytogenetic location: Xp22.2.
Variant type: single nucleotide variant.
Coding change: c.398C>T on transcript NM_001291867.2 (MANE Select); coding-DNA position 398, C replaced by T.
Protein change: p.Ala133Val; replaces alanine 133 with valine.
Molecular consequence: missense variant.
Genome position (GRCh38, 1-based): chrX:17,376,155, C>T. VCF-style: chrX-17376155-C-T. GRCh37 (hg19) VCF-style: chrX-17394278-C-T.
Other names: c.398C>T, p.Ala133Val (NM_198270.4); short protein forms A133V.
Identifiers: ClinVar variation 4697681 (VCV004697681.1).

ClinVar aggregate classification (germline): Uncertain significance (1 of 4 stars; one submission).

Conditions:
Nance-Horan syndrome (NHS). Identifiers: Orphanet 627, MedGen C0796085, MONDO:0010545, OMIM 302350.

gnomAD v4.1: 4 of 1,189,065 alleles (0.00034%); highest among the groups gnomAD compares: Non-Finnish European, 0.00045%; no homozygotes.

Submission:

Labcorp Genetics (formerly Invitae), Labcorp
Classification: Uncertain significance for Nance-Horan syndrome. Last evaluated: 2025-10-18. Review status: criteria provided, single submitter. Criteria: Invitae Variant Classification Sherloc (09022015). Collection method: clinical testing. Allele origin: germline.
Comment: This sequence change replaces alanine, which is neutral and non-polar, with valine, which is neutral and non-polar, at codon 133 of the NHS protein (p.Ala133Val). The frequency data for this variant in the population databases is considered unreliable, as metrics indicate poor data quality at this position in the gnomAD database. This variant has not been reported in the literature in individuals affected with NHS-related conditions. An algorithm developed to predict the effect of missense changes on protein structure and function (PolyPhen-2) suggests that this variant is likely to be tolerated. In summary, the available evidence is currently insufficient to determine the role of this variant in disease. Therefore, it has been classified as a Variant of Uncertain Significance.